The following is an entry in ClinVar:

ClinVar aggregate classification (germline): Uncertain significance (1 of 4 stars; one submission).

Submission:

Women's Health and Genetics/Laboratory Corporation of America, LabCorp
Classification: Uncertain significance. Last evaluated: 2023-08-15. Review status: criteria provided, single submitter. Criteria: LabCorp Variant Classification Summary - May 2015. Collection method: clinical testing. Allele origin: germline.
Comment: Variant summary: APOB c.10304T>A (p.Ile3435Asn) results in a non-conservative amino acid change in the encoded protein sequence. Three of five in-silico tools predict a damaging effect of the variant on protein function. The variant was absent in 251180 control chromosomes. The available data on variant occurrences in the general population are insufficient to allow any conclusion about variant significance. To our knowledge, no occurrence of c.10304T>A in individuals affected with Familial Hypercholesterolemia and no experimental evidence demonstrating its impact on protein function have been reported. No submitters have cited clinical-significance assessments for this variant to ClinVar after 2014. Based on the evidence outlined above, the variant was classified as uncertain significance.

NM_000384.3(APOB):c.10304T>A (p.Ile3435Asn)

Gene: APOB (apolipoprotein B; minus strand). Cytogenetic location: 2p24.1.
Variant type: single nucleotide variant.
Coding change: c.10304T>A on transcript NM_000384.3 (MANE Select); coding-DNA position 10304, T replaced by A.
Protein change: p.Ile3435Asn; replaces isoleucine 3435 with asparagine.
Molecular consequence: missense variant.
Genome position (GRCh38, 1-based): chr2:21,006,564, A>T on the plus strand (T>A on the coding strand, the complement: APOB is on the minus strand). VCF-style: chr2-21006564-A-T. GRCh37 (hg19) VCF-style: chr2-21229436-A-T.
Other names: short protein forms I3435N.
Identifiers: ClinVar variation 2581704 (VCV002581704.1), dbSNP rs768980816, ClinGen allele CA345986830.